The following is an entry in ClinVar:

NM_005026.5(PIK3CD):c.2919C>T (p.Leu973=)

Gene: PIK3CD (phosphatidylinositol-4,5-bisphosphate 3-kinase catalytic subunit delta; plus strand). Cytogenetic location: 1p36.22.
Variant type: single nucleotide variant.
Coding change: c.2919C>T on transcript NM_005026.5 (MANE Select); coding-DNA position 2919, C replaced by T.
Protein change: p.Leu973=; no amino-acid change (leucine 973 retained).
Molecular consequence: synonymous variant.
Genome position (GRCh38, 1-based): chr1:9,724,858, C>T. VCF-style: chr1-9724858-C-T. GRCh37 (hg19) VCF-style: chr1-9784916-C-T.
Other names: p.Leu973=; c.2919C>T (LRG_191t1); c.2916C>T, p.Leu972= (NM_001350234.2); c.2832C>T, p.Leu944= (NM_001350235.1).
Identifiers: ClinVar variation 474028 (VCV000474028.60), dbSNP rs143168081, ClinGen allele CA577681.

ClinVar aggregate classification (germline): Benign/Likely benign. Review status: criteria provided, multiple submitters, no conflicts (2 of 4 stars). 9 submissions from 9 submitters: Benign (2); Likely benign (5). 2 of the submissions do not count toward it. Last evaluated 2026-02-03.

Conditions:
Immunodeficiency 14b, autosomal recessive. Identifiers: MedGen C5543301, MONDO:0023655, OMIM 619281.
Combined immunodeficiency with faciooculoskeletal anomalies. Also called: Roifman-Chitayat syndrome, digenic; COMBINED IMMUNODEFICIENCY, FACIAL DYSMORPHISM, OPTIC NERVE ATROPHY, SKELETAL ANOMALIES, AND DEVELOPMENTAL DELAY; Roifman-Chitayat syndrome. Identifiers: Orphanet 221139, MedGen C2750068, MONDO:0013226, OMIM 613328.
Immunodeficiency 14 (IMD14A). Also called: Activated PI3K Delta Syndrome Type 1 (APDS1); ACTIVATED PI3K-DELTA SYNDROME 1; p110-DELTA-ACTIVATING MUTATION CAUSING SENESCENT T CELLS, LYMPHADENOPATHY, AND IMMUNODEFICIENCY; IMMUNODEFICIENCY 14A WITH LYMPHOPROLIFERATION, AUTOSOMAL DOMINANT. Identifiers: Orphanet 397596, Orphanet 693661, MedGen C5907821, MONDO:0014222, OMIM 615513.

Allele frequency attached by ClinVar (database versions not stated): gnomAD 0.00112 and 0.00114; TOPMed 0.00139; 1000 Genomes Project 0.00140; 1000 Genomes Project 30x 0.00156; gnomAD exomes 0.00157; ESP Exome Variant Server 0.00161.
gnomAD v4.1: 2,454 of 1,614,064 alleles (0.15%); highest among the groups gnomAD compares: Non-Finnish European, 0.19%; 1 homozygote.

Submissions (9):

Labcorp Genetics (formerly Invitae), Labcorp
Classification: Benign for Activated PI3K-delta syndrome. Last evaluated: 2026-02-03. Review status: criteria provided, single submitter. Criteria: Invitae Variant Classification Sherloc (09022015). Collection method: clinical testing. Allele origin: germline.

Mayo Clinic Laboratories, Mayo Clinic
Classification: Likely benign. Last evaluated: 2025-03-19. Review status: criteria provided, single submitter. Criteria: ACMG Guidelines, 2015. Collection method: clinical testing. Allele origin: germline. Observed: 5 variant alleles.
Comment: BS1, BP4, BP7

ARUP Laboratories, Molecular Genetics and Genomics, ARUP Laboratories
Classification: Benign. Last evaluated: 2024-12-09. Review status: criteria provided, single submitter. Criteria: ARUP Molecular Germline Variant Investigation Process 2024. Collection method: clinical testing. Allele origin: germline.

CeGaT Center for Human Genetics Tuebingen
Classification: Likely benign. Last evaluated: 2024-12-01. Review status: criteria provided, single submitter. Criteria: CeGaT Center For Human Genetics Tuebingen Variant Classification Criteria Version 2. Collection method: clinical testing. Allele origin: germline. Affected: yes. Observed: 8 variant alleles.
Comment: PIK3CD: BP4, BP7

Blueprint Genetics
Classification: Likely benign. Last evaluated: 2024-11-15. Review status: criteria provided, single submitter. Criteria: ACMG Guidelines, 2015. Collection method: clinical testing. Allele origin: germline.

Fulgent Genetics
Classification: Likely benign for Combined immunodeficiency with faciooculoskeletal anomalies; Immunodeficiency 14; Immunodeficiency 14b, autosomal recessive. Last evaluated: 2022-01-17. Review status: criteria provided, single submitter. Criteria: ACMG Guidelines, 2015. Collection method: clinical testing. Allele origin: unknown.

Breakthrough Genomics
Classification: Likely benign. Review status: criteria provided, single submitter. Criteria: ACMG Guidelines, 2015. Collection method: not provided. Allele origin: germline. Inheritance: Autosomal recessive inheritance. Affected: yes.

Clinical Genetics DNA and cytogenetics Diagnostics Lab, Erasmus MC, Erasmus Medical Center
Classification: Likely benign. Review status: no assertion criteria provided. Collection method: clinical testing. Allele origin: germline. Affected: yes. Study: VKGL Data-share Consensus. Not counted in ClinVar's aggregate classification.

Genome Diagnostics Laboratory, University Medical Center Utrecht
Classification: Likely benign. Review status: no assertion criteria provided. Collection method: clinical testing. Allele origin: germline. Affected: yes. Study: VKGL Data-share Consensus. Not counted in ClinVar's aggregate classification.